The following is an entry in ClinVar:

ClinVar aggregate classification (germline): Pathogenic. Review status: criteria provided, multiple submitters, no conflicts (2 of 4 stars). 2 submissions from 2 submitters: Pathogenic (2). Last evaluated 2025-11-05.

Conditions:
Hereditary cancer-predisposing syndrome. Also called: Tumor predisposition; Hereditary neoplastic syndrome; Hereditary Cancer Syndrome; Neoplastic Syndromes, Hereditary. Identifiers: Orphanet 140162, MedGen C0027672, MeSH D009386, MONDO:0015356.
Tumor predisposition syndrome 3 (TPDS3). Also called: LONG TELOMERE SYNDROME, POT1-RELATED; POT1 Tumor Predisposition; Melanoma, cutaneous malignant, susceptibility to, 10; Glioma susceptibility 9. Identifiers: Orphanet 618, MedGen C4014476, MONDO:0014368, OMIM 615848.

Submissions (2):

Labcorp Genetics (formerly Invitae), Labcorp
Classification: Pathogenic for Tumor predisposition syndrome 3. Last evaluated: 2025-11-05. Review status: criteria provided, single submitter. Criteria: Invitae Variant Classification Sherloc (09022015). Collection method: clinical testing. Allele origin: germline.
Comment: This sequence change creates a premature translational stop signal (p.Gln52*) in the POT1 gene. RNA analysis indicates that this premature translational stop signal induces altered splicing and may result in an absent or altered protein product. This variant is not present in population databases (gnomAD no frequency). This variant has not been reported in the literature in individuals affected with POT1-related conditions. ClinVar contains an entry for this variant (Variation ID: 2889153). Studies have shown that this premature translational stop signal results in skipping of exon 7, and produces a non-functional protein and/or introduces a premature termination codon (internal data). For these reasons, this variant has been classified as Pathogenic.

Ambry Genetics
Classification: Pathogenic for Hereditary cancer-predisposing syndrome. Last evaluated: 2025-05-16. Review status: criteria provided, single submitter. Criteria: Ambry Variant Classification Scheme 2023. Collection method: clinical testing. Allele origin: germline.
Comment: The p.Q52* pathogenic mutation (also known as c.154C>T), located in coding exon 3 of the POT1 gene, results from a C to T substitution at nucleotide position 154. This changes the amino acid from a glutamine to a stop codon within coding exon 3. This alteration is expected to result in loss of function by premature protein truncation or nonsense-mediated mRNA decay. As such, this alteration is interpreted as a disease-causing mutation.

NM_015450.3(POT1):c.154C>T (p.Gln52Ter)

Gene: POT1 (protection of telomeres 1; minus strand). Cytogenetic location: 7q31.33.
Variant type: single nucleotide variant.
Coding change: c.154C>T on transcript NM_015450.3 (MANE Select); coding-DNA position 154, C replaced by T.
Protein change: p.Gln52Ter; replaces glutamine 52 with a stop codon.
Molecular consequence: nonsense. On other transcripts: non-coding transcript variant (3), intron variant (1).
Genome position (GRCh38, 1-based): chr7:124,871,012, G>A on the plus strand (C>T on the coding strand, the complement: POT1 is on the minus strand). VCF-style: chr7-124871012-G-A. GRCh37 (hg19) VCF-style: chr7-124511066-G-A.
Other names: c.-138-7372C>T (NM_001042594.2); c.154C>T (NM_015450.2); short protein forms Q52*.
Identifiers: ClinVar variation 2889153 (VCV002889153.4), dbSNP rs1416551470, ClinGen allele CA369061638.